The following is an entry in ClinVar:

NC_000007.14:g.(?_140734587)_(140924713_?)dup

Gene: BRAF (B-Raf proto-oncogene, serine/threonine kinase; minus strand). Cytogenetic location: 7q34.
Variant type: Duplication.
Identifiers: ClinVar variation 832959 (VCV000832959.2).

ClinVar aggregate classification (germline): Uncertain significance (1 of 4 stars; one submission).

Conditions:
RASopathy. Also called: rasopathies; Noonan spectrum disorder. Identifiers: Orphanet 536391, MedGen C5555857, MONDO:0021060.

Submission:

Labcorp Genetics (formerly Invitae), Labcorp
Classification: Uncertain significance for Rasopathy. Last evaluated: 2019-07-29. Review status: criteria provided, single submitter. Criteria: Invitae Variant Classification Sherloc (09022015). Collection method: clinical testing. Allele origin: germline.
Comment: This variant results in a copy number gain of the genomic region encompassing the full coding sequence of the BRAF gene. The boundaries of this event are unknown as they extend beyond the assayed region for this gene and therefore may encompass additional genes. As the precise location of this event is unknown, it may be in tandem or it may be located elsewhere in the genome. This variant has not been reported in the literature in individuals with BRAF-related conditions. In summary, the available evidence is currently insufficient to determine the role of this variant in disease. Therefore, it has been classified as a Variant of Uncertain Significance.